The following is an entry in ClinVar:

NM_024675.4(PALB2):c.1549A>G (p.Lys517Glu)

Gene: PALB2 (partner and localizer of BRCA2; minus strand). Cytogenetic location: 16p12.2.
Variant type: single nucleotide variant.
Coding change: c.1549A>G on transcript NM_024675.4 (MANE Select); coding-DNA position 1549, A replaced by G.
Protein change: p.Lys517Glu; replaces lysine 517 with glutamic acid.
Molecular consequence: missense variant. On other transcripts: intron variant (3).
Genome position (GRCh38, 1-based): chr16:23,634,997, T>C on the plus strand (A>G on the coding strand, the complement: PALB2 is on the minus strand). VCF-style: chr16-23634997-T-C. GRCh37 (hg19) VCF-style: chr16-23646318-T-C.
Other names: c.1489A>G, p.Lys497Glu (NM_001407296.1); c.1549A>G, p.Lys517Glu (NM_001407297.1, NM_001407298.1, NM_001407299.1 and 3 more transcripts); c.664A>G, p.Lys222Glu (NM_001407304.1, NM_001407305.1, NM_001407306.1 and 5 more transcripts); c.49-5722A>G (NM_001407314.1); c.-104-4528A>G (NM_001407313.1, NM_001407312.1); short protein forms K222E, K497E, K517E.
Identifiers: ClinVar variation 3369747 (VCV003369747.1).
Genomic context (GRCh38, chr16:23,634,997, plus strand): 5'-ACAGGCTAGAAGTTGGCAAAAGTGGTTCACAATGATCTGATGCTGGGGTGCAGGCTGATT[T>C]TCTTTTTCCTGTGTATCTTCTACCAGGTGCTTGGGCAACTGCCTTCCTAGACAAGTCATT-3'
Protein context (NP_078951.2, residues 507-527): APGRRYTGKR[Lys517Glu]SACTPASDHC

ClinVar aggregate classification (germline): Uncertain significance (1 of 4 stars; one submission).

Submission:

GeneDx
Classification: Uncertain significance. Last evaluated: 2024-02-25. Review status: criteria provided, single submitter. Criteria: GeneDx Variant Classification Process June 2021. Collection method: clinical testing. Allele origin: germline. Affected: yes.
Comment: Not observed at significant frequency in large population cohorts (gnomAD); In silico analysis supports that this missense variant does not alter protein structure/function; Has not been previously published as pathogenic or benign to our knowledge